The following is an entry in ClinVar:

NM_177438.3(DICER1):c.5276A>T (p.Lys1759Ile)

Gene: DICER1 (dicer 1, ribonuclease III; minus strand). Cytogenetic location: 14q32.13.
Variant type: single nucleotide variant.
Coding change: c.5276A>T on transcript NM_177438.3 (MANE Select); coding-DNA position 5276, A replaced by T.
Protein change: p.Lys1759Ile; replaces lysine 1759 with isoleucine.
Molecular consequence: missense variant.
Genome position (GRCh38, 1-based): chr14:95,093,976, T>A on the plus strand (A>T on the coding strand, the complement: DICER1 is on the minus strand). VCF-style: chr14-95093976-T-A. GRCh37 (hg19) VCF-style: chr14-95560313-T-A.
Other names: c.5276A>T, p.Lys1759Ile (NM_001195573.1, NM_001271282.3, NM_001291628.2 and 1 more transcripts); short protein forms K1759I.
Identifiers: ClinVar variation 854314 (VCV000854314.14), dbSNP rs144259142, ClinGen allele CA390865054.

ClinVar aggregate classification (germline): Uncertain significance. Review status: criteria provided, multiple submitters, no conflicts (2 of 4 stars). 2 submissions from 2 submitters: Uncertain significance (2). Last evaluated 2025-03-06.

Conditions:
Hereditary cancer-predisposing syndrome. Also called: Neoplastic Syndromes, Hereditary; Hereditary Cancer Syndrome; Hereditary neoplastic syndrome; Tumor predisposition. Identifiers: Orphanet 140162, MedGen C0027672, MeSH D009386, MONDO:0015356.
DICER1-related tumor predisposition. Also called: DICER1 syndrome; DICER1-related pleuropulmonary blastoma cancer predisposition syndrome. Identifiers: Orphanet 284343, MedGen C3839822, MONDO:0100216.

Submissions (2):

Ambry Genetics
Classification: Uncertain significance for Hereditary cancer-predisposing syndrome. Last evaluated: 2025-03-06. Review status: criteria provided, single submitter. Criteria: Ambry Variant Classification Scheme 2023. Collection method: clinical testing. Allele origin: germline.
Comment: The p.K1759I variant (also known as c.5276A>T), located in coding exon 23 of the DICER1 gene, results from an A to T substitution at nucleotide position 5276. The lysine at codon 1759 is replaced by isoleucine, an amino acid with dissimilar properties. This amino acid position is highly conserved in available vertebrate species. In addition, this alteration is predicted to be deleterious by in silico analysis. Based on the available evidence, the clinical significance of this variant remains unclear.

Labcorp Genetics (formerly Invitae), Labcorp
Classification: Uncertain significance for DICER1-related tumor predisposition. Last evaluated: 2022-01-12. Review status: criteria provided, single submitter. Criteria: Invitae Variant Classification Sherloc (09022015). Collection method: clinical testing. Allele origin: germline.
Comment: In summary, the available evidence is currently insufficient to determine the role of this variant in disease. Therefore, it has been classified as a Variant of Uncertain Significance. Algorithms developed to predict the effect of missense changes on protein structure and function are either unavailable or do not agree on the potential impact of this missense change (SIFT: "Tolerated"; PolyPhen-2: "Probably Damaging"; Align-GVGD: "Class C0"). ClinVar contains an entry for this variant (Variation ID: 854314). This variant has not been reported in the literature in individuals affected with DICER1-related conditions. This variant is not present in population databases (gnomAD no frequency). This sequence change replaces lysine, which is basic and polar, with isoleucine, which is neutral and non-polar, at codon 1759 of the DICER1 protein (p.Lys1759Ile).